The following is an entry in ClinVar:

NM_004656.4(BAP1):c.1345G>A (p.Ala449Thr)

Gene: BAP1 (BRCA1 associated deubiquitinase 1; minus strand). Cytogenetic location: 3p21.1.
Variant type: single nucleotide variant.
Coding change: c.1345G>A on transcript NM_004656.4 (MANE Select); coding-DNA position 1345, G replaced by A.
Protein change: p.Ala449Thr; replaces alanine 449 with threonine.
Molecular consequence: missense variant.
Genome position (GRCh38, 1-based): chr3:52,403,800, C>T on the plus strand (G>A on the coding strand, the complement: BAP1 is on the minus strand). VCF-style: chr3-52403800-C-T. GRCh37 (hg19) VCF-style: chr3-52437816-C-T.
Other names: c.1345G>A (LRG_529t1); short protein forms A449T.
Identifiers: ClinVar variation 485264 (VCV000485264.16), dbSNP rs764734266, ClinGen allele CA2436817.
Genomic context (GRCh38, chr3:52,403,800, plus strand): 5'-TGCTAGTCTTGATGGACAGAGGAATTGAGAGGTCCTTCTGGGACTCTTTGAGCTTCTCAG[C>T]CAAGACGTTGATGGTGTTGGGCTGCAGCACTGACAGTTGCCCATCAGCAGAACCGCTCAA-3'
Protein context (NP_004647.1, residues 439-459): VLQPNTINVL[Ala449Thr]EKLKESQKDL

ClinVar aggregate classification (germline): Conflicting classifications of pathogenicity. Review status: criteria provided, conflicting classifications (1 of 4 stars). 4 submissions from 4 submitters: Uncertain significance (3); Likely benign (1). Last evaluated 2025-09-28.

Conditions:
BAP1-related tumor predisposition syndrome (TPDS1). Also called: Tumor susceptibility linked to germline BAP1 mutations; BAP1 tumor predisposition syndrome; COMMON Syndrome; TUMOR PREDISPOSITION SYNDROME 1. Identifiers: Orphanet 289539, MedGen C3280492, MONDO:0013692, OMIM 614327.
Hereditary cancer-predisposing syndrome. Also called: Neoplastic Syndromes, Hereditary; Tumor predisposition; Hereditary Cancer Syndrome; Hereditary neoplastic syndrome. Identifiers: Orphanet 140162, MedGen C0027672, MeSH D009386, MONDO:0015356.

Allele frequency attached by ClinVar (database versions not stated): gnomAD exomes below 0.00001; ExAC 0.00001; TOPMed 0.00001; gnomAD 0.00002.
gnomAD v4.1: 3 of 1,613,972 alleles (0.00019%); highest among the groups gnomAD compares: African/African-American, 0.0027%; no homozygotes.

Submissions (4):

Labcorp Genetics (formerly Invitae), Labcorp
Classification: Uncertain significance for BAP1-related tumor predisposition syndrome. Last evaluated: 2025-09-28. Review status: criteria provided, single submitter. Criteria: Invitae Variant Classification Sherloc (09022015). Collection method: clinical testing. Allele origin: germline.
Comment: This sequence change replaces alanine, which is neutral and non-polar, with threonine, which is neutral and polar, at codon 449 of the BAP1 protein (p.Ala449Thr). This variant is present in population databases (rs764734266, gnomAD 0.006%). This missense change has been observed in individual(s) with genitourinary cancer and/or uveal melanoma (PMID: 25974357, 36451132). ClinVar contains an entry for this variant (Variation ID: 485264). Invitae Evidence Modeling of protein sequence and biophysical properties (such as structural, functional, and spatial information, amino acid conservation, physicochemical variation, residue mobility, and thermodynamic stability) indicates that this missense variant is not expected to disrupt BAP1 protein function with a negative predictive value of 80%. In summary, the available evidence is currently insufficient to determine the role of this variant in disease. Therefore, it has been classified as a Variant of Uncertain Significance.

Ambry Genetics
Classification: Likely benign for Hereditary cancer-predisposing syndrome. Last evaluated: 2024-05-29. Review status: criteria provided, single submitter. Criteria: Ambry Variant Classification Scheme 2023. Collection method: clinical testing. Allele origin: germline.

Color Diagnostics, LLC DBA Color Health
Classification: Uncertain significance for Hereditary cancer-predisposing syndrome. Last evaluated: 2020-02-13. Review status: criteria provided, single submitter. Criteria: ACMG Guidelines, 2015. Collection method: clinical testing. Allele origin: germline.
Comment: This missense variant replaces alanine with threonine at codon 449 of the BAP1 protein. Computational prediction suggests that this variant may not impact protein structure and function (internally defined REVEL score threshold <= 0.5, PMID: 27666373). Splice site prediction tools suggest that this variant may not impact RNA splicing. To our knowledge, functional studies have not been reported for this variant. The variant has been observed in an individual affected with uveal melanoma (PMID: 25974357). This variant has been identified in 1/251396 chromosomes in the general population by the Genome Aggregation Database (gnomAD). The available evidence is insufficient to determine the role of this variant in disease conclusively. Therefore, this variant is classified as a Variant of Uncertain Significance.

GeneDx
Classification: Uncertain significance. Last evaluated: 2019-12-16. Review status: criteria provided, single submitter. Criteria: GeneDx Variant Classification Process June 2021. Collection method: clinical testing. Allele origin: germline. Affected: yes.
Comment: In silico analysis, which includes protein predictors and evolutionary conservation, supports that this variant does not alter protein structure/function; Observed in individuals with uveal melanoma (Gupta 2015); This variant is associated with the following publications: (PMID: 29761599, 25974357, 29625052)

Literature cited by the submitters: PubMed 25974357 (cited by Labcorp Genetics (formerly Invitae), Labcorp and Ambry Genetics); PubMed 36451132 (cited by Labcorp Genetics (formerly Invitae), Labcorp).